The following is an entry in ClinVar:

NM_002250.3(KCNN4):c.164C>T (p.Ala55Val)

Gene: KCNN4 (potassium calcium-activated channel subfamily N member 4; minus strand). Cytogenetic location: 19q13.31.
Variant type: single nucleotide variant.
Coding change: c.164C>T on transcript NM_002250.3 (MANE Select); coding-DNA position 164, C replaced by T.
Protein change: p.Ala55Val; replaces alanine 55 with valine.
Molecular consequence: missense variant.
Genome position (GRCh38, 1-based): chr19:43,776,632, G>A on the plus strand (C>T on the coding strand, the complement: KCNN4 is on the minus strand). VCF-style: chr19-43776632-G-A. GRCh37 (hg19) VCF-style: chr19-44280784-G-A.
Other names: short protein forms A55V.
Identifiers: ClinVar variation 4622554 (VCV004622554.2).

ClinVar aggregate classification (germline): Uncertain significance. Review status: criteria provided, multiple submitters, no conflicts (2 of 4 stars). 2 submissions from 2 submitters: Uncertain significance (2). Last evaluated 2025-10-02.

Conditions:
Inborn genetic diseases. Identifiers: MedGen C0950123, MeSH D030342.

gnomAD v4.1: 143 of 1,610,566 alleles (0.0089%); highest among the groups gnomAD compares: Admixed American, 0.045%; 1 homozygote.

Submissions (2):

Ambry Genetics
Classification: Uncertain significance for Inborn genetic diseases. Last evaluated: 2025-10-02. Review status: criteria provided, single submitter. Criteria: Ambry Variant Classification Scheme 2023. Collection method: clinical testing. Allele origin: germline.

Labcorp Genetics (formerly Invitae), Labcorp
Classification: Uncertain significance. Last evaluated: 2025-09-10. Review status: criteria provided, single submitter. Criteria: Invitae Variant Classification Sherloc (09022015). Collection method: clinical testing. Allele origin: germline.
Comment: This sequence change replaces alanine, which is neutral and non-polar, with valine, which is neutral and non-polar, at codon 55 of the KCNN4 protein (p.Ala55Val). This variant is present in population databases (rs75591006, gnomAD 0.04%), and has an allele count higher than expected for a pathogenic variant. This variant has not been reported in the literature in individuals affected with KCNN4-related conditions. Invitae Evidence Modeling of protein sequence and biophysical properties (such as structural, functional, and spatial information, amino acid conservation, physicochemical variation, residue mobility, and thermodynamic stability) indicates that this missense variant is not expected to disrupt KCNN4 protein function with a negative predictive value of 80%. In summary, the available evidence is currently insufficient to determine the role of this variant in disease. Therefore, it has been classified as a Variant of Uncertain Significance.